The following is an entry in ClinVar:

NM_014319.5(LEMD3):c.1763A>G (p.Asp588Gly)

Gene: LEMD3 (LEM domain containing 3; plus strand). Cytogenetic location: 12q14.3.
Variant type: single nucleotide variant.
Coding change: c.1763A>G on transcript NM_014319.5 (MANE Select); coding-DNA position 1763, A replaced by G.
Protein change: p.Asp588Gly; replaces aspartic acid 588 with glycine.
Molecular consequence: missense variant.
Genome position (GRCh38, 1-based): chr12:65,238,569, A>G. VCF-style: chr12-65238569-A-G. GRCh37 (hg19) VCF-style: chr12-65632349-A-G.
Other names: c.1760A>G, p.Asp587Gly (NM_001167614.2); short protein forms D588G, D587G.
Identifiers: ClinVar variation 2854365 (VCV002854365.3), dbSNP rs112859075, ClinGen allele CA238915059.

ClinVar aggregate classification (germline): Uncertain significance (1 of 4 stars; one submission).

Allele frequency attached by ClinVar (database versions not stated): gnomAD exomes below 0.00001.
gnomAD v4.1: 6 of 1,612,472 alleles (0.00037%); highest among the groups gnomAD compares: East Asian, 0.0022%; no homozygotes.

Submission:

Labcorp Genetics (formerly Invitae), Labcorp
Classification: Uncertain significance. Last evaluated: 2025-09-15. Review status: criteria provided, single submitter. Criteria: Invitae Variant Classification Sherloc (09022015). Collection method: clinical testing. Allele origin: germline.
Comment: This sequence change replaces aspartic acid, which is acidic and polar, with glycine, which is neutral and non-polar, at codon 588 of the LEMD3 protein (p.Asp588Gly). This variant is present in population databases (rs112859075, gnomAD no frequency). This variant has not been reported in the literature in individuals affected with LEMD3-related conditions. ClinVar contains an entry for this variant (Variation ID: 2854365). Invitae Evidence Modeling of protein sequence and biophysical properties (such as structural, functional, and spatial information, amino acid conservation, physicochemical variation, residue mobility, and thermodynamic stability) indicates that this missense variant is expected to disrupt LEMD3 protein function with a positive predictive value of 80%. In summary, the available evidence is currently insufficient to determine the role of this variant in disease. Therefore, it has been classified as a Variant of Uncertain Significance.